The following is an entry in ClinVar:

ClinVar aggregate classification (germline): Conflicting classifications of pathogenicity. Review status: criteria provided, conflicting classifications (1 of 4 stars). 9 submissions from 9 submitters: Uncertain significance (7); Likely benign (2). Last evaluated 2025-11-04.

Conditions:
Familial cancer of breast. Also called: BREAST CANCER, FAMILIAL; hereditary breast carcinoma; Hereditary breast cancer. Identifiers: Orphanet 227535, MedGen C0346153, MONDO:0016419, OMIM 114480. Disease mechanism: loss of function.
Fanconi anemia complementation group D1. Also called: BRCA2-Related Fanconi Anemia. Identifiers: Orphanet 319462, MedGen C1838457, MONDO:0011584, OMIM 605724.
Medulloblastoma (MDB). Also called: Medulloblastoma, somatic; MEDULLOBLASTOMA PREDISPOSITION SYNDROME. Identifiers: Orphanet 616, MedGen C0025149, MeSH D008527, MONDO:0007959, OMIM 155255, HP:0002885.
Breast-ovarian cancer, familial, susceptibility to, 2 (BROVCA2). Also called: BRCA2 Hereditary Breast and Ovarian Cancer. Identifiers: Orphanet 145, MedGen C2675520, MONDO:0012933, OMIM 612555. Disease mechanism: loss of function.
Wilms tumor 1 (WT1). Also called: Wilms tumor, somatic. Identifiers: Orphanet 654, MedGen CN033288, MONDO:0008679, OMIM 194070.
Glioma susceptibility 3 (GLM3). Also called: Glioblastoma 3. Identifiers: Orphanet 182067, Orphanet 360, MedGen C2751641, MONDO:0013093, OMIM 613029.
Pancreatic cancer, susceptibility to, 2. Identifiers: Orphanet 1333, MedGen C3150546, MONDO:0013235, OMIM 613347.
Familial prostate cancer. Also called: Hereditary Prostate Cancer. Identifiers: MedGen C2931456, MONDO:0700275, OMIM 176807.
BRCA2-related cancer predisposition. Identifiers: MedGen CN377758, MONDO:0700269.
Hereditary cancer-predisposing syndrome. Also called: Neoplastic Syndromes, Hereditary; Hereditary neoplastic syndrome; Hereditary Cancer Syndrome; Tumor predisposition. Identifiers: Orphanet 140162, MedGen C0027672, MeSH D009386, MONDO:0015356.
Hereditary breast ovarian cancer syndrome. Also called: Breast and ovarian cancer; Hereditary breast and/or ovarian cancer syndrome; Hereditary breast and ovarian cancer syndrome; Hereditary breast and ovarian cancer syndrome (HBOC); Hereditary breast and ovarian cancer; BRCA1- and BRCA2-Associated Hereditary Breast and Ovarian Cancer. Identifiers: Orphanet 145, MedGen C0677776, MeSH D061325, MONDO:0003582. Disease mechanism: loss of function.

Allele frequency attached by ClinVar (database versions not stated): gnomAD 0.00001.
gnomAD v4.1: 2 of 1,590,624 alleles (0.00013%); highest among the groups gnomAD compares: Admixed American, 0.0018%; no homozygotes.

Submissions (9):

Women's Health and Genetics/Laboratory Corporation of America, LabCorp
Classification: Uncertain significance. Last evaluated: 2025-11-04. Review status: criteria provided, single submitter. Criteria: LabCorp Variant Classification Summary - May 2015. Collection method: clinical testing. Allele origin: germline.
Comment: Variant summary: BRCA2 c.4987G>C (p.Val1663Leu) results in a conservative amino acid change in the encoded protein sequence. Algorithms developed to predict the effect of missense changes on protein structure and function all suggest that this variant is likely to be tolerated. The variant was absent in 232186 control chromosomes. The available data on variant occurrences in the general population are insufficient to allow any conclusion about variant significance. To our knowledge, no occurrence of c.4987G>C in individuals affected with BRCA2-related conditions and no experimental evidence demonstrating its impact on protein function have been reported. ClinVar contains an entry for this variant (Variation ID: 141460). Based on the evidence outlined above, the variant was classified as uncertain significance.

Labcorp Genetics (formerly Invitae), Labcorp
Classification: Likely benign for Hereditary breast ovarian cancer syndrome. Last evaluated: 2025-09-10. Review status: criteria provided, single submitter. Criteria: Invitae Variant Classification Sherloc (09022015). Collection method: clinical testing. Allele origin: germline.

Ambry Genetics
Classification: Uncertain significance for Hereditary cancer-predisposing syndrome. Last evaluated: 2025-06-20. Review status: criteria provided, single submitter. Criteria: Ambry Variant Classification Scheme 2023. Collection method: clinical testing. Allele origin: germline.
Comment: The p.V1663L variant (also known as c.4987G>C), located in coding exon 10 of the BRCA2 gene, results from a G to C substitution at nucleotide position 4987. The valine at codon 1663 is replaced by leucine, an amino acid with highly similar properties. This amino acid position is poorly conserved in available vertebrate species. In addition, this alteration is predicted to be tolerated by in silico analysis. Since supporting evidence is limited at this time, the clinical significance of this alteration remains unclear.

Color Diagnostics, LLC DBA Color Health
Classification: Uncertain significance for Hereditary cancer-predisposing syndrome. Last evaluated: 2025-06-17. Review status: criteria provided, single submitter. Criteria: ACMG Guidelines, 2015. Collection method: clinical testing. Allele origin: germline.
Comment: This missense variant replaces valine with leucine at codon 1663 of the BRCA2 protein. Computational prediction suggests that this variant may not impact protein structure and function. To our knowledge, functional studies have not been reported for this variant. This variant has not been reported in individuals affected with BRCA2-related disorders in the literature. This variant has not been identified in the general population by the Genome Aggregation Database (gnomAD). The available evidence is insufficient to determine the role of this variant in disease conclusively. Therefore, this variant is classified as a Variant of Uncertain Significance.

All of Us Research Program, National Institutes of Health
Classification: Uncertain significance for BRCA2-related cancer predisposition. Last evaluated: 2024-08-06. Review status: criteria provided, single submitter. Criteria: ACMG Guidelines, 2015. Collection method: clinical testing. Allele origin: germline. Inheritance: Autosomal dominant inheritance. Observed: 1 variant allele, 1 heterozygote.
Comment: This missense variant replaces valine with leucine at codon 1663 of the BRCA2 protein. Computational prediction suggests that this variant may not impact protein structure and function (internally defined REVEL score threshold <= 0.5, PMID: 27666373). To our knowledge, functional studies have not been reported for this variant. This variant has not been reported in individuals affected with hereditary cancer in the literature. This variant has not been identified in the general population by the Genome Aggregation Database (gnomAD). The available evidence is insufficient to determine the role of this variant in disease conclusively. Therefore, this variant is classified as a Variant of Uncertain Significance.

This study involves interpretation of variants in research participants for the purpose of population health screening. Participant phenotype was not available at the time of variant classification. Additional details can be found in publication PMID: 35346344, PMCID: PMC8962531

Fulgent Genetics
Classification: Uncertain significance for Familial cancer of breast; Medulloblastoma; Familial prostate cancer; Wilms tumor 1; Fanconi anemia complementation group D1; Breast-ovarian cancer, familial, susceptibility to, 2; Glioma susceptibility 3; Pancreatic cancer, susceptibility to, 2. Last evaluated: 2024-06-21. Review status: criteria provided, single submitter. Criteria: ACMG Guidelines, 2015. Collection method: clinical testing. Allele origin: germline.

University of Washington Department of Laboratory Medicine, University of Washington
Classification: Likely benign for Hereditary cancer-predisposing syndrome. Last evaluated: 2023-03-23. Review status: criteria provided, single submitter. Criteria: Dines et al. (Genet Med. 2020). Collection method: curation. Allele origin: germline.
Comment: Missense variant in a coldspot region where missense variants are very unlikely to be pathogenic (PMID:31911673).

BRCA2 exon 11 coldspot. Reclassification based on statistical prior probability.

Quest Diagnostics Nichols Institute San Juan Capistrano
Classification: Uncertain significance. Last evaluated: 2017-06-14. Review status: criteria provided, single submitter. Criteria: Quest Diagnostics criteria. Collection method: clinical testing. Allele origin: germline.

GeneDx
Classification: Uncertain significance. Last evaluated: 2015-01-28. Review status: criteria provided, single submitter. Criteria: GeneDx Variant Classification (06012015). Collection method: clinical testing. Allele origin: germline. Affected: yes.
Comment: This variant is denoted BRCA2 c.4987G>C at the cDNA level, p.Val1663Leu (V1663L) at the protein level, and results in the change of a Valine to a Leucine (GTC>CTC). Using alternate nomenclature, this variant would be defined as BRCA2 5215G>C. This variant has not, to our knowledge, been published in the literature as pathogenic or benign. BRCA2 Val1663Leu was not observed in approximately 6,500 individuals of European and African American ancestry in the NHLBI Exome Sequencing Project, indicating it is not a common benign variant in these populations. Since Valine and Leucine share similar properties, this is considered a conservative amino acid substitution. BRCA2 Val1663Leu occurs at a position that is highly variable across species and is located in the RAD51 binding domain (Roy 2012). In silico analyses predict that this variant is unlikely to alter protein structure or function. Based on currently available information, it is unclear whether BRCA2 Val1663Leu is pathogenic or benign. We consider it to be a variant of uncertain significance.

Literature cited by the submitters: PubMed 31112341 (cited by Women's Health and Genetics/Laboratory Corporation of America, LabCorp); PubMed 31294896 (cited by Women's Health and Genetics/Laboratory Corporation of America, LabCorp).

NM_000059.4(BRCA2):c.4987G>C (p.Val1663Leu)

Gene: BRCA2 (BRCA2 DNA repair associated; plus strand). Cytogenetic location: 13q13.1.
Variant type: single nucleotide variant.
Coding change: c.4987G>C on transcript NM_000059.4 (MANE Select); coding-DNA position 4987, G replaced by C.
Protein change: p.Val1663Leu; replaces valine 1663 with leucine.
Molecular consequence: missense variant.
Genome position (GRCh38, 1-based): chr13:32,339,342, G>C. VCF-style: chr13-32339342-G-C. GRCh37 (hg19) VCF-style: chr13-32913479-G-C.
Other names: short protein forms V1663L.
Identifiers: ClinVar variation 141460 (VCV000141460.30), dbSNP rs587781763, ClinGen allele CA021111.